The following is an entry in ClinVar:

NM_000492.4(CFTR):c.814del (p.Val272fs)

Gene: CFTR (CF transmembrane conductance regulator; plus strand). Cytogenetic location: 7q31.2.
Variant type: Deletion.
Coding change: c.814del on transcript NM_000492.4 (MANE Select); coding-DNA position 814, one base deleted (G; older notation c.814delG).
Protein change: p.Val272fs; shifts the reading frame from valine 272.
Molecular consequence: frameshift variant.
Genome position (GRCh38, 1-based): chr7:117,536,618, G deleted. VCF-style (leftmost placement, unchanged base first): chr7-117536617-TG-T. GRCh37 (hg19) VCF-style: chr7-117176671-TG-T.
Other names: short protein forms V272fs.
Identifiers: ClinVar variation 4227403 (VCV004227403.1).

ClinVar aggregate classification (germline): Pathogenic (1 of 4 stars; one submission).

Conditions:
Cystic fibrosis (CF). Also called: MUCOVISCIDOSIS. Identifiers: Orphanet 586, MedGen C0010674, MONDO:0009061, OMIM 219700. Disease mechanism: loss of function.

Submission:

Ambry Genetics
Classification: Pathogenic for Cystic fibrosis. Last evaluated: 2025-07-16. Review status: criteria provided, single submitter. Criteria: Ambry Variant Classification Scheme 2023. Collection method: clinical testing. Allele origin: germline.
Comment: The c.814delG pathogenic mutation, located in coding exon 7 of the CFTR gene, results from a deletion of one nucleotide at nucleotide position 814, causing a translational frameshift with a predicted alternate stop codon (p.V272Lfs*13). This variant is considered to be rare based on population cohorts in the Genome Aggregation Database (gnomAD). This alteration is expected to result in loss of function by premature protein truncation or nonsense-mediated mRNA decay. As such, this alteration is interpreted as a disease-causing mutation.